The following is an entry in ClinVar:

NM_001378454.1(ALMS1):c.11567C>T (p.Ser3856Phe)

Gene: ALMS1 (ALMS1 centrosome and basal body associated protein; plus strand). Cytogenetic location: 2p13.1.
Variant type: single nucleotide variant.
Coding change: c.11567C>T on transcript NM_001378454.1 (MANE Select); coding-DNA position 11567, C replaced by T.
Protein change: p.Ser3856Phe; replaces serine 3856 with phenylalanine.
Molecular consequence: missense variant.
Genome position (GRCh38, 1-based): chr2:73,599,420, C>T. VCF-style: chr2-73599420-C-T. GRCh37 (hg19) VCF-style: chr2-73826547-C-T.
Other names: c.11570C>T, p.Ser3857Phe (NM_015120.4); short protein forms S3857F, S3856F.
Identifiers: ClinVar variation 1498179 (VCV001498179.8), dbSNP rs1414717577, ClinGen allele CA347262773.

ClinVar aggregate classification (germline): Uncertain significance. Review status: criteria provided, multiple submitters, no conflicts (2 of 4 stars). 4 submissions from 4 submitters: Uncertain significance (4). Last evaluated 2025-09-11.

Conditions:
Cardiovascular phenotype. Identifiers: MedGen CN230736.
Alstrom syndrome (ALMS). Identifiers: Orphanet 64, MedGen C0268425, MONDO:0008763, OMIM 203800.

Allele frequency attached by ClinVar (database versions not stated): gnomAD exomes below 0.00001; gnomAD 0.00003 and 0.00004; TOPMed 0.00009.
gnomAD v4.1: 7 of 1,613,190 alleles (0.00043%); highest among the groups gnomAD compares: Admixed American, 0.0033%; no homozygotes.

Submissions (4):

Ambry Genetics
Classification: Uncertain significance for Cardiovascular phenotype. Last evaluated: 2025-09-11. Review status: criteria provided, single submitter. Criteria: Ambry Variant Classification Scheme 2023. Collection method: clinical testing. Allele origin: germline.
Comment: The p.S3857F variant (also known as c.11570C>T), located in coding exon 17 of the ALMS1 gene, results from a C to T substitution at nucleotide position 11570. The serine at codon 3857 is replaced by phenylalanine, an amino acid with highly dissimilar properties. This amino acid position is highly conserved in available vertebrate species. In addition, this alteration is predicted to be tolerated by in silico analysis. Since supporting evidence is limited at this time, the clinical significance of this alteration remains unclear.

GeneDx
Classification: Uncertain significance. Last evaluated: 2024-12-02. Review status: criteria provided, single submitter. Criteria: GeneDx Variant Classification Process June 2021. Collection method: clinical testing. Allele origin: germline. Affected: yes.
Comment: Not observed at significant frequency in large population cohorts (gnomAD); In silico analysis supports that this missense variant has a deleterious effect on protein structure/function; Has not been previously published as pathogenic or benign to our knowledge; In silico analysis suggests this variant may impact gene splicing. In the absence of RNA/functional studies, the actual effect of this sequence change is unknown.

Labcorp Genetics (formerly Invitae), Labcorp
Classification: Uncertain significance for Alstrom syndrome. Last evaluated: 2022-07-15. Review status: criteria provided, single submitter. Criteria: Invitae Variant Classification Sherloc (09022015). Collection method: clinical testing. Allele origin: germline.
Comment: This sequence change replaces serine, which is neutral and polar, with phenylalanine, which is neutral and non-polar, at codon 3857 of the ALMS1 protein (p.Ser3857Phe). This variant is not present in population databases (gnomAD no frequency). This variant has not been reported in the literature in individuals affected with ALMS1-related conditions. ClinVar contains an entry for this variant (Variation ID: 1498179). Experimental studies and prediction algorithms are not available or were not evaluated, and the functional significance of this variant is currently unknown. Algorithms developed to predict the effect of sequence changes on RNA splicing suggest that this variant may create or strengthen a splice site. In summary, the available evidence is currently insufficient to determine the role of this variant in disease. Therefore, it has been classified as a Variant of Uncertain Significance.

Fulgent Genetics
Classification: Uncertain significance for Alstrom syndrome. Last evaluated: 2022-05-24. Review status: criteria provided, single submitter. Criteria: ACMG Guidelines, 2015. Collection method: clinical testing. Allele origin: unknown.